The following is an entry in ClinVar:

NM_018006.5(TRMU):c.880C>T (p.Arg294Trp)

Gene: TRMU (tRNA mitochondrial 2-thiouridylase; plus strand). Cytogenetic location: 22q13.31.
Variant type: single nucleotide variant.
Coding change: c.880C>T on transcript NM_018006.5 (MANE Select); coding-DNA position 880, C replaced by T.
Protein change: p.Arg294Trp; replaces arginine 294 with tryptophan.
Molecular consequence: missense variant. On other transcripts: non-coding transcript variant (2).
Genome position (GRCh38, 1-based): chr22:46,355,450, C>T. VCF-style: chr22-46355450-C-T. GRCh37 (hg19) VCF-style: chr22-46751347-C-T.
Other names: c.538C>T, p.Arg180Trp (NM_001282782.2); c.460C>T, p.Arg154Trp (NM_001282783.2, NM_001282784.2); c.880C>T, p.Arg294Trp (NM_001282785.2); short protein forms R294W, R154W, R180W.
Identifiers: ClinVar variation 441106 (VCV000441106.4), dbSNP rs773745635, ClinGen allele CA10292309.

ClinVar aggregate classification (germline): Uncertain significance (1 of 4 stars; one submission).

Conditions:
Inborn genetic diseases. Identifiers: MedGen C0950123, MeSH D030342.
Acute infantile liver failure due to synthesis defect of mtDNA-encoded proteins. Also called: Liver failure acute infantile; TRMU Deficiency; LIVER FAILURE, INFANTILE, TRANSIENT. Identifiers: Orphanet 217371, MedGen C3278664, MONDO:0013111, OMIM 613070.

Allele frequency attached by ClinVar (database versions not stated): TOPMed 0.00002; gnomAD exomes 0.00005; ExAC 0.00005.
gnomAD v4.1: 76 of 1,612,542 alleles (0.0047%); highest among the groups gnomAD compares: South Asian, 0.036%; no homozygotes.

Submission:

Ambry Genetics
Classification: Uncertain significance for Inborn genetic diseases. Last evaluated: 2023-03-20. Review status: criteria provided, single submitter. Criteria: Ambry Variant Classification Scheme 2023. Collection method: clinical testing. Allele origin: germline.